The following is an entry in ClinVar:

ClinVar aggregate classification (germline): Uncertain significance (1 of 4 stars; one submission).

Allele frequency attached by ClinVar (database versions not stated): gnomAD exomes below 0.00001; ExAC 0.00001.

Submission:

CeGaT Center for Human Genetics Tuebingen
Classification: Uncertain significance. Last evaluated: 2024-06-01. Review status: criteria provided, single submitter. Criteria: CeGaT Center For Human Genetics Tuebingen Variant Classification Criteria Version 2. Collection method: clinical testing. Allele origin: germline. Affected: yes. Observed: 2 variant alleles.
Comment: CLCN4: PM2, PP2, PP3

NM_001830.4(CLCN4):c.358G>A (p.Glu120Lys)

Gene: CLCN4 (Cl-/H+ antiporter 4; plus strand). Cytogenetic location: Xp22.2.
Variant type: single nucleotide variant.
Coding change: c.358G>A on transcript NM_001830.4 (MANE Select); coding-DNA position 358, G replaced by A.
Protein change: p.Glu120Lys; replaces glutamic acid 120 with lysine.
Molecular consequence: missense variant.
Genome position (GRCh38, 1-based): chrX:10,195,024, G>A. VCF-style: chrX-10195024-G-A. GRCh37 (hg19) VCF-style: chrX-10163064-G-A.
Other names: c.76G>A, p.Glu26Lys (NM_001256944.2); short protein forms E120K, E26K.
Identifiers: ClinVar variation 3250847 (VCV003250847.18), dbSNP rs761767858.